The following is an entry in ClinVar:

ClinVar aggregate classification (germline): Benign/Likely benign. Review status: criteria provided, multiple submitters, no conflicts (2 of 4 stars). 2 submissions from 2 submitters: Benign (1); Likely benign (1). Last evaluated 2024-12-15.

Conditions:
Hereditary cancer-predisposing syndrome. Also called: Hereditary neoplastic syndrome; Neoplastic Syndromes, Hereditary; Tumor predisposition; Hereditary Cancer Syndrome. Identifiers: Orphanet 140162, MedGen C0027672, MeSH D009386, MONDO:0015356.
Familial cancer of breast. Also called: BREAST CANCER, FAMILIAL; Hereditary breast cancer; hereditary breast carcinoma. Identifiers: Orphanet 227535, MedGen C0346153, MONDO:0016419, OMIM 114480. Disease mechanism: loss of function.

Allele frequency attached by ClinVar (database versions not stated): gnomAD exomes below 0.00001.
gnomAD v4.1: 1 of 1,613,576 alleles (0.000062%); highest among the groups gnomAD compares: Non-Finnish European, 0.000085%; no homozygotes.

Submissions (2):

Ambry Genetics
Classification: Likely benign for Hereditary cancer-predisposing syndrome. Last evaluated: 2024-12-15. Review status: criteria provided, single submitter. Criteria: Ambry Variant Classification Scheme 2023. Collection method: clinical testing. Allele origin: germline.

Myriad Genetics, Inc.
Classification: Benign for Familial cancer of breast. Last evaluated: 2024-05-22. Review status: criteria provided, single submitter. Criteria: Myriad Autosomal Dominant, Autosomal Recessive and X-Linked Classification Criteria (2023). Collection method: clinical testing. Allele origin: unknown.
Comment: This variant is considered benign. This variant is a silent/synonymous amino acid change and it is not expected to impact splicing.

NM_000051.4(ATM):c.5295G>A (p.Gln1765=)

Gene: ATM (ATM serine/threonine kinase; plus strand). Cytogenetic location: 11q22.3.
Variant type: single nucleotide variant.
Coding change: c.5295G>A on transcript NM_000051.4 (MANE Select); coding-DNA position 5295, G replaced by A.
Protein change: p.Gln1765=; no amino-acid change (glutamine 1765 retained).
Molecular consequence: synonymous variant.
Genome position (GRCh38, 1-based): chr11:108,301,765, G>A. VCF-style: chr11-108301765-G-A. GRCh37 (hg19) VCF-style: chr11-108172492-G-A.
Other names: c.5295G>A, p.Gln1765= (NM_001351834.2).
Identifiers: ClinVar variation 3254005 (VCV003254005.2), dbSNP rs2135915200.